The following is an entry in ClinVar:

NM_201550.4(LRRC10):c.660C>G (p.Asp220Glu)

Gene: LRRC10 (leucine rich repeat containing 10; minus strand). Cytogenetic location: 12q15.
Variant type: single nucleotide variant.
Coding change: c.660C>G on transcript NM_201550.4 (MANE Select); coding-DNA position 660, C replaced by G.
Protein change: p.Asp220Glu; replaces aspartic acid 220 with glutamic acid.
Molecular consequence: missense variant.
Genome position (GRCh38, 1-based): chr12:69,610,179, G>C on the plus strand (C>G on the coding strand, the complement: LRRC10 is on the minus strand). VCF-style: chr12-69610179-G-C. GRCh37 (hg19) VCF-style: chr12-70003959-G-C.
Other names: short protein forms D220E.
Identifiers: ClinVar variation 4793172 (VCV004793172.1).

ClinVar aggregate classification (germline): Uncertain significance (1 of 4 stars; one submission).

Submission:

Labcorp Genetics (formerly Invitae), Labcorp
Classification: Uncertain significance. Last evaluated: 2025-10-22. Review status: criteria provided, single submitter. Criteria: Invitae Variant Classification Sherloc (09022015). Collection method: clinical testing. Allele origin: germline.
Comment: This sequence change replaces aspartic acid, which is acidic and polar, with glutamic acid, which is acidic and polar, at codon 220 of the LRRC10 protein (p.Asp220Glu). This variant is not present in population databases (gnomAD no frequency). This variant has not been reported in the literature in individuals affected with LRRC10-related conditions. An algorithm developed to predict the effect of missense changes on protein structure and function (PolyPhen-2) suggests that this variant is likely to be disruptive. In summary, the available evidence is currently insufficient to determine the role of this variant in disease. Therefore, it has been classified as a Variant of Uncertain Significance.